The following is an entry in ClinVar:

ClinVar aggregate classification (germline): Pathogenic/Likely pathogenic. Review status: criteria provided, multiple submitters, no conflicts (2 of 4 stars). 2 submissions from 2 submitters: Pathogenic (1); Likely pathogenic (1). Last evaluated 2024-02-24.

Conditions:
Megaloblastic anemia, thiamine-responsive, with diabetes mellitus and sensorineural deafness (TRMA). Also called: Thiamine-Responsive Megaloblastic Anemia Syndrome; THIAMINE METABOLISM DYSFUNCTION SYNDROME 1 (MEGALOBLASTIC ANEMIA, DIABETES MELLITUS, AND DEAFNESS TYPE); ROGERS SYNDROME; THIAMINE-RESPONSIVE ANEMIA SYNDROME; THIAMINE-RESPONSIVE MYELODYSPLASIA. Identifiers: Orphanet 49827, MedGen C0342287, MONDO:0009575, OMIM 249270.

Submissions (2):

Fulgent Genetics
Classification: Likely pathogenic for Megaloblastic anemia, thiamine-responsive, with diabetes mellitus and sensorineural deafness. Last evaluated: 2024-02-24. Review status: criteria provided, single submitter. Criteria: ACMG Guidelines, 2015. Collection method: clinical testing. Allele origin: germline.

Labcorp Genetics (formerly Invitae), Labcorp
Classification: Pathogenic. Last evaluated: 2023-09-23. Review status: criteria provided, single submitter. Criteria: Invitae Variant Classification Sherloc (09022015). Collection method: clinical testing. Allele origin: germline.
Comment: This sequence change creates a premature translational stop signal (p.Tyr144Serfs*31) in the SLC19A2 gene. It is expected to result in an absent or disrupted protein product. Loss-of-function variants in SLC19A2 are known to be pathogenic (PMID: 10391221, 10391223, 10874303). This variant is not present in population databases (gnomAD no frequency). This variant has not been reported in the literature in individuals affected with SLC19A2-related conditions. For these reasons, this variant has been classified as Pathogenic.

Literature cited by the submitters: PubMed 10391221 (cited by Labcorp Genetics (formerly Invitae), Labcorp); PubMed 10391223 (cited by Labcorp Genetics (formerly Invitae), Labcorp); PubMed 10874303 (cited by Labcorp Genetics (formerly Invitae), Labcorp).

NM_006996.3(SLC19A2):c.429_432del (p.Tyr144fs)

Gene: SLC19A2 (solute carrier family 19 member 2; minus strand). Cytogenetic location: 1q24.2.
Variant type: Deletion.
Coding change: c.429_432del on transcript NM_006996.3 (MANE Select); coding-DNA positions 429 to 432, 4 bases deleted (TTAT; older notation c.429_432delTTAT).
Protein change: p.Tyr144fs; shifts the reading frame from tyrosine 144.
Molecular consequence: frameshift variant. On other transcripts: intron variant (1).
Genome position (GRCh38, 1-based): chr1:169,477,530-169,477,533, ATAA deleted on the plus strand (TTAT on the coding strand, the reverse complement: SLC19A2 is on the minus strand). VCF-style (leftmost placement, unchanged base first): chr1-169477529-TATAA-T. GRCh37 (hg19) VCF-style: chr1-169446767-TATAA-T.
Other names: c.205-7347_205-7344del (NM_001319667.1); short protein forms Y144fs.
Identifiers: ClinVar variation 2993622 (VCV002993622.4), dbSNP rs2526257326, ClinGen allele CA421929829.